The following is an entry in ClinVar:

ClinVar aggregate classification (germline): Uncertain significance (1 of 4 stars; one submission).

Allele frequency attached by ClinVar (database versions not stated): gnomAD exomes below 0.00001.
gnomAD v4.1: 1 of 1,612,700 alleles (0.000062%); highest among the groups gnomAD compares: South Asian, 0.0011%; no homozygotes.

Submission:

Ambry Genetics
Classification: Uncertain significance. Last evaluated: 2023-09-13. Review status: criteria provided, single submitter. Criteria: Ambry Variant Classification Scheme 2023. Collection method: clinical testing. Allele origin: germline.
Comment: The p.M937V variant (also known as c.2809A>G), located in coding exon 25 of the PRKDC gene, results from an A to G substitution at nucleotide position 2809. The methionine at codon 937 is replaced by valine, an amino acid with highly similar properties. This amino acid position is conserved. In addition, this alteration is predicted to be tolerated by in silico analysis. Since supporting evidence is limited at this time, the clinical significance of this alteration remains unclear.

NM_006904.7(PRKDC):c.2809A>G (p.Met937Val)

Gene: PRKDC (protein kinase, DNA-activated, catalytic subunit; minus strand). Cytogenetic location: 8q11.21.
Variant type: single nucleotide variant.
Coding change: c.2809A>G on transcript NM_006904.7 (MANE Select); coding-DNA position 2809, A replaced by G.
Protein change: p.Met937Val; replaces methionine 937 with valine.
Molecular consequence: missense variant.
Genome position (GRCh38, 1-based): chr8:47,912,535, T>C on the plus strand (A>G on the coding strand, the complement: PRKDC is on the minus strand). VCF-style: chr8-47912535-T-C. GRCh37 (hg19) VCF-style: chr8-48825095-T-C.
Other names: c.2809A>G, p.Met937Val (NM_001081640.2); short protein forms M937V.
Identifiers: ClinVar variation 2624562 (VCV002624562.2), dbSNP rs2551876673, ClinGen allele CA371158918.